The following is an entry in ClinVar:

ClinVar aggregate classification (germline): Uncertain significance (1 of 4 stars; one submission).

Submission:

Labcorp Genetics (formerly Invitae), Labcorp
Classification: Uncertain significance. Last evaluated: 2022-08-03. Review status: criteria provided, single submitter. Criteria: Invitae Variant Classification Sherloc (09022015). Collection method: clinical testing. Allele origin: germline.
Comment: This variant has not been reported in the literature in individuals affected with ZNF469-related conditions. This sequence change replaces cysteine, which is neutral and slightly polar, with phenylalanine, which is neutral and non-polar, at codon 2891 of the ZNF469 protein (p.Cys2891Phe). This variant is not present in population databases (gnomAD no frequency). Algorithms developed to predict the effect of missense changes on protein structure and function are either unavailable or do not agree on the potential impact of this missense change (SIFT: "Deleterious"; PolyPhen-2: "Probably Damaging"; Align-GVGD: "Class C0"). In summary, the available evidence is currently insufficient to determine the role of this variant in disease. Therefore, it has been classified as a Variant of Uncertain Significance.

NM_001367624.2(ZNF469):c.8756G>T (p.Cys2919Phe)

Gene: ZNF469 (zinc finger protein 469; plus strand). Cytogenetic location: 16q24.2.
Variant type: single nucleotide variant.
Coding change: c.8756G>T on transcript NM_001367624.2 (MANE Select); coding-DNA position 8756, G replaced by T.
Protein change: p.Cys2919Phe; replaces cysteine 2919 with phenylalanine.
Molecular consequence: missense variant.
Genome position (GRCh38, 1-based): chr16:88,436,226, G>T. VCF-style: chr16-88436226-G-T. GRCh37 (hg19) VCF-style: chr16-88502634-G-T.
Other names: short protein forms C2919F.
Identifiers: ClinVar variation 1714984 (VCV001714984.5), dbSNP rs2507600757, ClinGen allele CA397119360.
Genomic context (GRCh38, chr16:88,436,226, plus strand): 5'-GTGACCCCACGCTGGGCCCAGCCCGCCTGCCCACGGACCTCAGCGACTCCAGCTCCCTCT[G>T]CCTCTGCCATGAGGACCCGTGGGAGGACGAGGATCCCGCAGGTCTGCCCGAGTCCTTCCT-3'
Protein context (NP_001354553.1, residues 2909-2929): PTDLSDSSSL[Cys2919Phe]LCHEDPWEDE